The following is an entry in ClinVar:

NM_024408.4(NOTCH2):c.6223G>A (p.Val2075Met)

Gene: NOTCH2 (notch receptor 2; minus strand). Cytogenetic location: 1p12.
Variant type: single nucleotide variant.
Coding change: c.6223G>A on transcript NM_024408.4 (MANE Select); coding-DNA position 6223, G replaced by A.
Protein change: p.Val2075Met; replaces valine 2075 with methionine.
Molecular consequence: missense variant.
Genome position (GRCh38, 1-based): chr1:119,916,499, C>T on the plus strand (G>A on the coding strand, the complement: NOTCH2 is on the minus strand). VCF-style: chr1-119916499-C-T. GRCh37 (hg19) VCF-style: chr1-120459122-C-T.
Other names: short protein forms V2075M.
Identifiers: ClinVar variation 134985 (VCV000134985.48), dbSNP rs150516342, ClinGen allele CA161297.

ClinVar aggregate classification (germline): Benign/Likely benign. Review status: criteria provided, multiple submitters, no conflicts (2 of 4 stars). 13 submissions from 13 submitters: Benign (2); Likely benign (6). 5 of the submissions do not count toward it. Last evaluated 2026-02-01.

Conditions:
NOTCH2-related disorder. Also called: NOTCH2-related condition.
Alagille syndrome due to a NOTCH2 point mutation. Also called: Alagille syndrome 2. Identifiers: Orphanet 261629, Orphanet 52, MedGen C1857761, MONDO:0012439, OMIM 610205.
Hajdu-Cheney syndrome (HJCYS). Also called: SERPENTINE FIBULA-POLYCYSTIC KIDNEY SYNDROME; ACROOSTEOLYSIS WITH OSTEOPOROSIS AND CHANGES IN SKULL AND MANDIBLE; Acroosteolysis dominant type. Identifiers: Orphanet 955, MedGen C0917715, MONDO:0007057, OMIM 102500.

Allele frequency attached by ClinVar (database versions not stated): 1000 Genomes Project 0.00020; 1000 Genomes Project 30x 0.00031; ExAC 0.00116; gnomAD 0.00132 and 0.00141; ESP Exome Variant Server 0.00146; TOPMed 0.00153.
gnomAD v4.1: 3,097 of 1,612,348 alleles (0.19%); highest among the groups gnomAD compares: Non-Finnish European, 0.23%; 13 homozygotes.

Submissions (13):

Labcorp Genetics (formerly Invitae), Labcorp
Classification: Benign for Hajdu-Cheney syndrome. Last evaluated: 2026-02-01. Review status: criteria provided, single submitter. Criteria: Invitae Variant Classification Sherloc (09022015). Collection method: clinical testing. Allele origin: germline.

CeGaT Center for Human Genetics Tuebingen
Classification: Likely benign. Last evaluated: 2025-08-01. Review status: criteria provided, single submitter. Criteria: CeGaT Center For Human Genetics Tuebingen Variant Classification Criteria Version 2. Collection method: clinical testing. Allele origin: germline. Affected: yes. Observed: 5 variant alleles.
Comment: NOTCH2: BP4, BS1

Blueprint Genetics
Classification: Likely benign. Last evaluated: 2024-11-26. Review status: criteria provided, single submitter. Criteria: ACMG Guidelines, 2015. Collection method: clinical testing. Allele origin: germline.

Fulgent Genetics
Classification: Likely benign for Hajdu-Cheney syndrome; Alagille syndrome due to a NOTCH2 point mutation. Last evaluated: 2021-10-26. Review status: criteria provided, single submitter. Criteria: ACMG Guidelines, 2015. Collection method: clinical testing. Allele origin: unknown.

GeneDx
Classification: Benign. Last evaluated: 2020-05-09. Review status: criteria provided, single submitter. Criteria: GeneDx Variant Classification Process June 2021. Collection method: clinical testing. Allele origin: germline. Affected: yes.

Center for Pediatric Genomic Medicine, Children's Mercy Hospital and Clinics
Classification: Likely benign. Last evaluated: 2017-08-10. Review status: criteria provided, single submitter. Criteria: ACMG Guidelines, 2015. Collection method: clinical testing. Allele origin: germline.

Eurofins Ntd Llc (ga)
Classification: Likely benign. Last evaluated: 2015-09-25. Review status: criteria provided, single submitter. Criteria: EGL Classification Definitions 2015. Collection method: clinical testing. Allele origin: germline. Observed: 2 variant alleles, 2 heterozygotes.

Breakthrough Genomics
Classification: Likely benign. Review status: criteria provided, single submitter. Criteria: ACMG Guidelines, 2015. Collection method: not provided. Allele origin: germline. Inheritance: Autosomal dominant inheritance. Affected: yes.

PreventionGenetics, part of Exact Sciences
Classification: Likely benign for NOTCH2-related condition. Last evaluated: 2020-12-17. Review status: no assertion criteria provided. Collection method: clinical testing. Allele origin: germline. Not counted in ClinVar's aggregate classification.
Comment: This variant is classified as likely benign based on ACMG/AMP sequence variant interpretation guidelines (Richards et al. 2015 PMID: 25741868, with internal and published modifications).

ITMI
No classification provided. Condition: AllHighlyPenetrant. Last evaluated: 2013-09-19. Review status: no classification provided. Collection method: reference population. Allele origin: germline. Not counted in ClinVar's aggregate classification.
Comment: Please see associated publication for description of ethnicities

Clinical Genetics DNA and cytogenetics Diagnostics Lab, Erasmus MC, Erasmus Medical Center
Classification: Likely benign. Review status: no assertion criteria provided. Collection method: clinical testing. Allele origin: germline. Affected: yes. Study: VKGL Data-share Consensus. Not counted in ClinVar's aggregate classification.

Genome Diagnostics Laboratory, University Medical Center Utrecht
Classification: Likely benign. Review status: no assertion criteria provided. Collection method: clinical testing. Allele origin: germline. Affected: yes. Study: VKGL Data-share Consensus. Not counted in ClinVar's aggregate classification.

Laboratory of Diagnostic Genome Analysis, Leiden University Medical Center (LUMC)
Classification: Likely benign. Review status: no assertion criteria provided. Collection method: clinical testing. Allele origin: germline. Affected: yes. Study: VKGL Data-share Consensus. Not counted in ClinVar's aggregate classification.

Literature cited by the submitters: PubMed 24728327 (cited by ITMI).